The following is an entry in ClinVar:

ClinVar aggregate classification (germline): Uncertain significance (1 of 4 stars; one submission).

Submission:

Labcorp Genetics (formerly Invitae), Labcorp
Classification: Uncertain significance. Last evaluated: 2023-07-07. Review status: criteria provided, single submitter. Criteria: Invitae Variant Classification Sherloc (09022015). Collection method: clinical testing. Allele origin: germline.
Comment: This sequence change falls in intron 7 of the EDNRB gene. It does not directly change the encoded amino acid sequence of the EDNRB protein. It affects a nucleotide within the consensus splice site. This variant is not present in population databases (gnomAD no frequency). This variant has not been reported in the literature in individuals affected with EDNRB-related conditions. ClinVar contains an entry for this variant (Variation ID: 1497665). Variants that disrupt the consensus splice site are a relatively common cause of aberrant splicing (PMID: 17576681, 9536098). Algorithms developed to predict the effect of sequence changes on RNA splicing suggest that this variant may disrupt the consensus splice site. In summary, the available evidence is currently insufficient to determine the role of this variant in disease. Therefore, it has been classified as a Variant of Uncertain Significance.

Literature cited by the submitters: PubMed 17576681; PubMed 9536098.

NM_001122659.3(EDNRB):c.1194+5G>C

Genes: EDNRB (endothelin receptor type B; minus strand), EDNRB-AS1 (EDNRB antisense RNA 1; plus strand). Cytogenetic location: 13q22.3.
Variant type: single nucleotide variant.
Coding change: c.1194+5G>C on transcript NM_001122659.3 (MANE Select); 5 bases into the intron after coding-DNA position 1194, G replaced by C.
Molecular consequence: intron variant.
Genome position (GRCh38, 1-based): chr13:77,899,854, C>G on the plus strand (G>C on the coding strand, the complement: EDNRB is on the minus strand). VCF-style: chr13-77899854-C-G. GRCh37 (hg19) VCF-style: chr13-78473989-C-G.
Other names: c.1194+5G>C (NM_000115.5, NM_003991.4); c.1464+5G>C (NM_001201397.2).
Identifiers: ClinVar variation 1497665 (VCV001497665.6), dbSNP rs2137603187, ClinGen allele CA2573149763.